The following is an entry in ClinVar:

ClinVar aggregate classification (germline): Likely pathogenic. Review status: criteria provided, single submitter (1 of 4 stars). 2 submissions from 2 submitters: Likely pathogenic (1). 1 of the submissions does not count toward it. Last evaluated 2020-05-27.

Conditions:
Ehlers-Danlos syndrome, classic type, 1 (EDSCL1). Also called: Ehlers-Danlos Syndrome, Classic Type, COL5A1-Related; EDS I; Ehlers-Danlos syndrome, type 1; EHLERS-DANLOS SYNDROME, GRAVIS TYPE; EHLERS-DANLOS SYNDROME, SEVERE CLASSIC TYPE. Identifiers: MedGen C0268335, MONDO:0019567, OMIM 130000.
Osteogenesis imperfecta type I (OI1). Also called: Lobstein disease; Classic Non-deforming Osteogenesis Imperfecta with Blue Sclerae; OI, TYPE I; OSTEOGENESIS IMPERFECTA TARDA; OSTEOGENESIS IMPERFECTA WITH BLUE SCLERAE; Osteogenesis imperfecta type 1. Identifiers: Orphanet 216796, Orphanet 666, MedGen C0023931, MONDO:0008146, OMIM 166200. Disease mechanism: loss of function.
Osteogenesis imperfecta with normal sclerae, dominant form (OI4). Also called: Osteogenesis Imperfecta Type IV; Common Variable Osteogenesis Imperfecta with Normal Sclerae; OSTEOGENESIS IMPERFECTA WITH NORMAL SCLERAE; Osteogenesis imperfecta type 4; OSTEOGENESIS IMPERFECTA, TYPE IV, WITH DENTINOGENESIS IMPERFECTA. Identifiers: Orphanet 216820, Orphanet 666, MedGen C0268363, MONDO:0008148, OMIM 166220.

Submissions (2):

Labcorp Genetics (formerly Invitae), Labcorp
Classification: Likely pathogenic for Osteogenesis imperfecta type I; Ehlers-Danlos syndrome, classic type, 1. Last evaluated: 2020-05-27. Review status: criteria provided, single submitter. Criteria: Invitae Variant Classification Sherloc (09022015). Collection method: clinical testing. Allele origin: germline.
Comment: This sequence change replaces glycine with alanine at codon 379 of the COL1A2 protein (p.Gly379Ala). The glycine residue is highly conserved and there is a small physicochemical difference between glycine and alanine. This variant is not present in population databases (ExAC no frequency). This variant has not been reported in the literature in individuals with COL1A2-related conditions. ClinVar contains an entry for this variant (Variation ID: 17278). Algorithms developed to predict the effect of missense changes on protein structure and function (SIFT, PolyPhen-2, Align-GVGD) all suggest that this variant is likely to be disruptive, but these predictions have not been confirmed by published functional studies and their clinical significance is uncertain. In summary, the currently available evidence indicates that the variant is pathogenic, but additional data are needed to prove that conclusively. Therefore, this variant has been classified as Likely Pathogenic. Glycine residues within the Gly-Xaa-Yaa repeats of the triple helix domain are required for the structure and stability of fibrillar collagens (PMID: 7695699, 8218237, 19344236). In COL1A2, variants affecting these glycine residues are significantly enriched in individuals with disease (PMID: 9016532, 17078022) compared to the general population (ExAC).

OMIM
Classification: Pathogenic for OSTEOGENESIS IMPERFECTA, TYPE IV. Last evaluated: 2002-02-01. Review status: no assertion criteria provided. Collection method: literature only. Allele origin: germline. Not counted in ClinVar's aggregate classification.

Literature cited by the submitters: PubMed 7695699 (cited by Labcorp Genetics (formerly Invitae), Labcorp); PubMed 8218237 (cited by Labcorp Genetics (formerly Invitae), Labcorp); PubMed 19344236 (cited by Labcorp Genetics (formerly Invitae), Labcorp); PubMed 9016532 (cited by Labcorp Genetics (formerly Invitae), Labcorp); PubMed 17078022 (cited by Labcorp Genetics (formerly Invitae), Labcorp); PubMed 11836364 (cited by OMIM).

NM_000089.4(COL1A2):c.1136G>C (p.Gly379Ala)

Gene: COL1A2 (collagen type I alpha 2 chain; plus strand). Cytogenetic location: 7q21.3.
Variant type: single nucleotide variant.
Coding change: c.1136G>C on transcript NM_000089.4 (MANE Select); coding-DNA position 1136, G replaced by C.
Protein change: p.Gly379Ala; replaces glycine 379 with alanine.
Molecular consequence: missense variant.
Genome position (GRCh38, 1-based): chr7:94,410,466, G>C. VCF-style: chr7-94410466-G-C. GRCh37 (hg19) VCF-style: chr7-94039778-G-C.
Other names: short protein forms G379A.
Identifiers: ClinVar variation 17278 (VCV000017278.11), dbSNP rs121912912, ClinGen allele CA257797.